The following is an entry in ClinVar:

NM_014946.4(SPAST):c.185dup (p.Leu63fs)

Gene: SPAST (spastin; plus strand). Cytogenetic location: 2p22.3.
Variant type: Duplication.
Coding change: c.185dup on transcript NM_014946.4 (MANE Select); coding-DNA position 185, one base duplicated (C; older notation c.185dupC).
Protein change: p.Leu63fs; shifts the reading frame from leucine 63.
Molecular consequence: frameshift variant.
Genome position (GRCh38, 1-based): chr2:32,064,016, C duplicated. VCF-style (leftmost placement, unchanged base first): chr2-32064015-G-GC. GRCh37 (hg19) VCF-style: chr2-32289084-G-GC.
Other names: c.185dup, p.Leu63fs (NM_001363823.2, NM_001363875.2, NM_001377959.1 and 1 more transcripts); short protein forms L63fs.
Identifiers: ClinVar variation 1705331 (VCV001705331.1), dbSNP rs2465681239, ClinGen allele CA2580066380.

ClinVar aggregate classification (germline): Likely pathogenic (1 of 4 stars; one submission).

Conditions:
Hereditary spastic paraplegia 4. Also called: Spastic Paraplegia 4; Spastic paraplegia 4, autosomal dominant; Familial spastic paraplegia autosomal dominant 2. Identifiers: Orphanet 100985, MedGen C1866855, MONDO:0008438, OMIM 182601.

Submission:

3billion
Classification: Likely pathogenic for Hereditary spastic paraplegia 4. Last evaluated: 2022-09-01. Review status: criteria provided, single submitter. Criteria: ACMG Guidelines, 2015. Collection method: clinical testing. Allele origin: germline. Affected: yes. Observed: 1 heterozygote.
Comment: The variant is not observed in the gnomAD v2.1.1 dataset. Frameshift variant is predicted to result in a loss or disruption of normal protein function through nonsense-mediated decay (NMD) or protein truncation. Multiple pathogenic variants are reported downstream of the variant. Therefore, this variant is classified as Likely pathogenic according to the recommendation of ACMG/AMP guideline.